The following is an entry in ClinVar:

NM_000463.3(UGT1A1):c.1305-1G>A

Genes: UGT1A1 (UDP glucuronosyltransferase family 1 member A1; plus strand), UGT1A10 (UDP glucuronosyltransferase family 1 member A10; plus strand), UGT1A (UDP glucuronosyltransferase family 1 member A complex locus; plus strand), UGT1A9 (UDP glucuronosyltransferase family 1 member A9; plus strand), UGT1A3 (UDP glucuronosyltransferase family 1 member A3; plus strand) and 5 more. Cytogenetic location: 2q37.1.
Variant type: single nucleotide variant.
Coding change: c.1305-1G>A on transcript NM_000463.3 (MANE Select); the canonical splice acceptor site of the intron before coding-DNA position 1305, G replaced by A.
Molecular consequence: splice acceptor variant.
Genome position (GRCh38, 1-based): chr2:233,772,261, G>A. VCF-style: chr2-233772261-G-A. GRCh37 (hg19) VCF-style: chr2-234680907-G-A.
Other names: c.1296-1G>A (NM_019076.5, NM_019075.4, NM_021027.3 and 1 more transcripts); c.501-1G>A (NM_205862.3); c.1302-1G>A (NM_001072.4); c.1308-1G>A (NM_019078.2, NM_007120.3, NM_019093.4).
Identifiers: ClinVar variation 3586191 (VCV003586191.2).
Genomic context (GRCh38, chr2:233,772,261, plus strand): 5'-AAAGAGAGGATTGTTCATACCACAGGTGTTCCAGGCATAACGAAACTGTCTTTGTGTTTA[G>A]TTACAAGGAGAACATCATGCGCCTCTCCAGCCTTCACAAGGACCGCCCGGTGGAGCCGCT-3'

ClinVar aggregate classification (germline): Pathogenic. Review status: criteria provided, multiple submitters, no conflicts (2 of 4 stars). 2 submissions from 2 submitters: Pathogenic (2). Last evaluated 2025-04-08.

Conditions:
Crigler-Najjar syndrome type 1. Also called: HYPERBILIRUBINEMIA, CRIGLER-NAJJAR TYPE I. Identifiers: Orphanet 79234, MedGen C0010324, MONDO:0021020, OMIM 218800.
Gilbert syndrome. Also called: Gilbert Disease; Gilbert's syndrome; HYPERBILIRUBINEMIA, GILBERT TYPE; HYPERBILIRUBINEMIA I; HYPERBILIRUBINEMIA, ARIAS TYPE. Identifiers: MedGen C0017551, MONDO:0007745, OMIM 143500.
Crigler-Najjar syndrome, type II. Also called: HYPERBILIRUBINEMIA, CRIGLER-NAJJAR TYPE II; Crigler Najjar syndrome, type 2; Mutation in the UDP-glucuronosyl-transferase gene. Identifiers: Orphanet 205, Orphanet 79235, MedGen C2931132, MONDO:0011725, OMIM 606785.
BILIRUBIN, SERUM LEVEL OF, QUANTITATIVE TRAIT LOCUS 1 (BILIQTL1). Identifiers: MedGen C1866173, OMIM 601816.
Lucey-Driscoll syndrome (HBLRTFN). Also called: Transient familial neonatal hyperbilirubinemia. Identifiers: Orphanet 2312, MedGen C0270210, MONDO:0009383, OMIM 237900.

gnomAD v4.1: 30 of 1,614,162 alleles (0.0019%); highest among the groups gnomAD compares: Non-Finnish European, 0.0025%; no homozygotes.

Submissions (2):

ARUP Laboratories, Molecular Genetics and Genomics, ARUP Laboratories
Classification: Pathogenic. Last evaluated: 2025-04-08. Review status: criteria provided, single submitter. Criteria: ARUP Molecular Germline Variant Investigation Process 2024. Collection method: clinical testing. Allele origin: germline.
Comment: The UGT1A1 c.1305-1G>A variant (rs1212085876, ClinVar Variation ID 3586191) is reported in the literature in an individual with unconjugated hyperbilirubinemia resulting from UGT1A1 enzyme deficiency (Sappal 2002). This variant is only observed on one allele in the Genome Aggregation Database (v2.1.1), indicating it is not a common polymorphism. This variant disrupts the canonical splice acceptor site of intron 4, which is likely to negatively impact gene function. In vitro splicing analyses demonstrate loss of splicing at the canonical acceptor site and utilization of a cryptic acceptor site within exon 5 of UGT1A1, thus resulting in a truncated transcript. Based on available information, this variant is considered to be pathogenic. References: Sappal BS et al. A novel intronic mutation results in the use of a cryptic splice acceptor site within the coding region of UGT1A1, causing Crigler-Najjar syndrome type 1. Mol Genet Metab. 2002 Feb. PMID: 11855932.

Fulgent Genetics
Classification: Pathogenic for Gilbert syndrome; Crigler-Najjar syndrome type 1; Lucey-Driscoll syndrome; BILIRUBIN, SERUM LEVEL OF, QUANTITATIVE TRAIT LOCUS 1; Crigler-Najjar syndrome, type II. Last evaluated: 2024-06-06. Review status: criteria provided, single submitter. Criteria: ACMG Guidelines, 2015. Collection method: clinical testing. Allele origin: germline.